The following is an entry in ClinVar:

NM_198880.3(QRICH1):c.2207G>T (p.Ser736Ile)

Gene: QRICH1 (glutamine rich 1; minus strand). Cytogenetic location: 3p21.31.
Variant type: single nucleotide variant.
Coding change: c.2207G>T on transcript NM_198880.3 (MANE Select); coding-DNA position 2207, G replaced by T.
Protein change: p.Ser736Ile; replaces serine 736 with isoleucine.
Molecular consequence: missense variant.
Genome position (GRCh38, 1-based): chr3:49,030,576, C>A on the plus strand (G>T on the coding strand, the complement: QRICH1 is on the minus strand). VCF-style: chr3-49030576-C-A. GRCh37 (hg19) VCF-style: chr3-49068009-C-A.
Other names: c.2207G>T, p.Ser736Ile (NM_001320580.2, NM_001320581.2, NM_001320582.2 and 4 more transcripts); short protein forms S736I.
Identifiers: ClinVar variation 3370711 (VCV003370711.1).

ClinVar aggregate classification (germline): Uncertain significance (1 of 4 stars; one submission).

Submission:

GeneDx
Classification: Uncertain significance. Last evaluated: 2024-03-12. Review status: criteria provided, single submitter. Criteria: GeneDx Variant Classification Process June 2021. Collection method: clinical testing. Allele origin: germline. Affected: yes.
Comment: Not observed at significant frequency in large population cohorts (gnomAD); In silico analysis supports that this missense variant has a deleterious effect on protein structure/function; Has not been previously published as pathogenic or benign to our knowledge